The following is an entry in ClinVar:

NM_002506.3(NGF):c.575T>C (p.Ile192Thr)

Genes: NGF (nerve growth factor; minus strand), NGF-AS1 (NGF antisense RNA 1; plus strand). Cytogenetic location: 1p13.2.
Variant type: single nucleotide variant.
Coding change: c.575T>C on transcript NM_002506.3 (MANE Select); coding-DNA position 575, T replaced by C.
Protein change: p.Ile192Thr; replaces isoleucine 192 with threonine.
Molecular consequence: missense variant.
Genome position (GRCh38, 1-based): chr1:115,286,221, A>G on the plus strand (T>C on the coding strand, the complement: NGF is on the minus strand). VCF-style: chr1-115286221-A-G. GRCh37 (hg19) VCF-style: chr1-115828842-A-G.
Other names: short protein forms I192T.
Identifiers: ClinVar variation 1415332 (VCV001415332.6), dbSNP rs2101018460, ClinGen allele CA341836246.

ClinVar aggregate classification (germline): Uncertain significance (1 of 4 stars; one submission).

Conditions:
Congenital sensory neuropathy with selective loss of small myelinated fibers (HSAN5). Also called: HSAN Type V. Identifiers: Orphanet 64752, MedGen C0020075, MONDO:0012092, OMIM 608654.

Allele frequency attached by ClinVar (database versions not stated): gnomAD exomes below 0.00001.
gnomAD v4.1: 1 of 1,614,162 alleles (0.000062%); highest among the groups gnomAD compares: East Asian, 0.0022%; no homozygotes.

Submission:

Labcorp Genetics (formerly Invitae), Labcorp
Classification: Uncertain significance for Congenital sensory neuropathy with selective loss of small myelinated fibers. Last evaluated: 2021-10-03. Review status: criteria provided, single submitter. Criteria: Invitae Variant Classification Sherloc (09022015). Collection method: clinical testing. Allele origin: germline.
Comment: In summary, the available evidence is currently insufficient to determine the role of this variant in disease. Therefore, it has been classified as a Variant of Uncertain Significance. Algorithms developed to predict the effect of missense changes on protein structure and function (SIFT, PolyPhen-2, Align-GVGD) all suggest that this variant is likely to be disruptive. This variant has not been reported in the literature in individuals affected with NGF-related conditions. This sequence change replaces isoleucine with threonine at codon 192 of the NGF protein (p.Ile192Thr). The isoleucine residue is highly conserved and there is a moderate physicochemical difference between isoleucine and threonine. This variant is not present in population databases (ExAC no frequency).